The following is an entry in ClinVar:

NM_005450.6(NOG):c.157A>G (p.Ile53Val)

Gene: NOG (noggin; plus strand). Cytogenetic location: 17q22.
Variant type: single nucleotide variant.
Coding change: c.157A>G on transcript NM_005450.6 (MANE Select); coding-DNA position 157, A replaced by G.
Protein change: p.Ile53Val; replaces isoleucine 53 with valine.
Molecular consequence: missense variant.
Genome position (GRCh38, 1-based): chr17:56,594,380, A>G. VCF-style: chr17-56594380-A-G. GRCh37 (hg19) VCF-style: chr17-54671741-A-G.
Other names: short protein forms I53V.
Identifiers: ClinVar variation 4691213 (VCV004691213.1).

ClinVar aggregate classification (germline): Uncertain significance (1 of 4 stars; one submission).

gnomAD v4.1: 11 of 1,613,114 alleles (0.00068%); highest among the groups gnomAD compares: African/African-American, 0.011%; no homozygotes.

Submission:

Labcorp Genetics (formerly Invitae), Labcorp
Classification: Uncertain significance. Last evaluated: 2025-04-07. Review status: criteria provided, single submitter. Criteria: Invitae Variant Classification Sherloc (09022015). Collection method: clinical testing. Allele origin: germline.
Comment: This sequence change replaces isoleucine, which is neutral and non-polar, with valine, which is neutral and non-polar, at codon 53 of the NOG protein (p.Ile53Val). This variant is present in population databases (rs761426737, gnomAD 0.02%). This variant has not been reported in the literature in individuals affected with NOG-related conditions. An algorithm developed to predict the effect of missense changes on protein structure and function (PolyPhen-2) suggests that this variant is likely to be tolerated. In summary, the available evidence is currently insufficient to determine the role of this variant in disease. Therefore, it has been classified as a Variant of Uncertain Significance.